The following is an entry in ClinVar:

NM_007215.4(POLG2):c.163G>C (p.Glu55Gln)

Genes: MILR1 (mast cell immunoglobulin like receptor 1; plus strand), POLG2 (DNA polymerase gamma 2, accessory subunit; minus strand). Cytogenetic location: 17q23.3.
Variant type: single nucleotide variant.
Coding change: c.163G>C on transcript NM_007215.4 (MANE Select); coding-DNA position 163, G replaced by C.
Protein change: p.Glu55Gln; replaces glutamic acid 55 with glutamine.
Molecular consequence: missense variant.
Genome position (GRCh38, 1-based): chr17:64,496,806, C>G on the plus strand (G>C on the coding strand, the complement: POLG2 is on the minus strand). VCF-style: chr17-64496806-C-G. GRCh37 (hg19) VCF-style: chr17-62492924-C-G.
Other names: short protein forms E55Q.
Identifiers: ClinVar variation 1720885 (VCV001720885.5), dbSNP rs782180971, ClinGen allele CA400641516.

ClinVar aggregate classification (germline): Uncertain significance (1 of 4 stars; one submission).

gnomAD v4.1: 2 of 1,613,852 alleles (0.00012%); highest among the groups gnomAD compares: African/African-American, 0.0027%; no homozygotes.

Submission:

Labcorp Genetics (formerly Invitae), Labcorp
Classification: Uncertain significance. Last evaluated: 2025-08-24. Review status: criteria provided, single submitter. Criteria: Invitae Variant Classification Sherloc (09022015). Collection method: clinical testing. Allele origin: germline.
Comment: This sequence change replaces glutamic acid, which is acidic and polar, with glutamine, which is neutral and polar, at codon 55 of the POLG2 protein (p.Glu55Gln). This variant is not present in population databases (gnomAD no frequency). This variant has not been reported in the literature in individuals affected with POLG2-related conditions. ClinVar contains an entry for this variant (Variation ID: 1720885). An algorithm developed to predict the effect of missense changes on protein structure and function (PolyPhen-2) suggests that this variant is likely to be tolerated. In summary, the available evidence is currently insufficient to determine the role of this variant in disease. Therefore, it has been classified as a Variant of Uncertain Significance.